The following is an entry in ClinVar:

ClinVar aggregate classification (germline): Uncertain significance (1 of 4 stars; one submission).

Submission:

GeneDx
Classification: Uncertain significance. Last evaluated: 2024-05-02. Review status: criteria provided, single submitter. Criteria: GeneDx Variant Classification Process June 2021. Collection method: clinical testing. Allele origin: germline. Affected: yes.
Comment: Not observed at significant frequency in large population cohorts (gnomAD); In-frame insertion of 1 amino acids in a non-repeat region; In silico analysis indicates that this variant does not alter protein structure/function; Has not been previously published as pathogenic or benign to our knowledge

NM_001040142.2(SCN2A):c.5982_5984dup (p.Glu1994_Asp1995insGlu)

Gene: SCN2A (sodium voltage-gated channel alpha subunit 2; plus strand). Cytogenetic location: 2q24.3.
Variant type: Duplication.
Coding change: c.5982_5984dup on transcript NM_001040142.2 (MANE Select); coding-DNA positions 5982 to 5984, 3 bases duplicated (AGA; older notation c.5982_5984dupAGA).
Protein change: p.Glu1994_Asp1995insGlu.
Genome position (GRCh38, 1-based): chr2:165,389,788-165,389,790, AGA duplicated; duplicating any 3 consecutive bases within chr2:165,389,786-165,389,790 gives the same sequence; the c. name uses the placement nearest the transcript's 3' end. VCF-style (leftmost placement, unchanged base first): chr2-165389785-G-GGAA. GRCh37 (hg19) VCF-style: chr2-166246295-G-GGAA.
Other names: c.5982_5984dup, p.Glu1994_Asp1995insGlu (NM_001040143.2, NM_001371246.1, NM_001371247.1 and 1 more transcripts).
Identifiers: ClinVar variation 3373317 (VCV003373317.1).
Genomic context (GRCh38, chr2:165,389,785, plus strand): 5'-CTCGTATGATAGTGTGACCAAACCAGAAAAAGAAAAATTTGAAAAAGACAAATCAGAAAA[G>GGAA]GAAGACAAAGGGAAAGATATCAGGGAAAGTAAAAAGTAAAAAGAAACCAAGAATTTTCCA-3'